The following is an entry in ClinVar:

GRCh38/hg38 4p16.3(chr4:620566-2958209)x3

Genes: NSD2 (nuclear receptor binding SET domain protein 2; plus strand), PCGF3 (polycomb group ring finger 3; plus strand), PCGF3-AS1 (PCGF3 antisense RNA 1; minus strand), PCGF3-AS2 (PCGF3 antisense RNA 2; minus strand), PDE6B (phosphodiesterase 6B; plus strand) and 207 more. Cytogenetic location: 4p16.3.
Variant type: copy number gain.
Change: copy number 3 (three copies instead of two) of chr4:620,566-2,958,209 (2.34 Mb, GRCh38 coordinates, 1-based), cytogenetic band 4p16.3.
Identifiers: ClinVar variation 57182 (VCV000057182.1).

ClinVar aggregate classification (germline): Pathogenic (1 of 4 stars; one submission).

Submission:

ISCA site 4
Classification: Pathogenic. Last evaluated: 2011-08-12. Review status: criteria provided, single submitter. Criteria: Kaminsky et al. (Genet Med. 2011). Collection method: clinical testing. Allele origin: unknown. Affected: yes. Observed: 2 variant alleles.
Comment: Copy number variation identified through the course of routine clinical cytogenomic testing in postnatal populations. Clinical assertions have been curated as described in Kaminsky et al. 2011.